The following is an entry in ClinVar:

ClinVar aggregate classification (germline): Pathogenic (1 of 4 stars; one submission).

Conditions:
Multiple endocrine neoplasia, type 1 (MEN1). Also called: WERMER SYNDROME; Endocrine adenomatosis multiple; MEN 1; MEA I; MEN I. Identifiers: Orphanet 652, MedGen C0025267, MeSH D018761, MONDO:0007540, OMIM 131100.

Submission:

Labcorp Genetics (formerly Invitae), Labcorp
Classification: Pathogenic for Multiple endocrine neoplasia, type 1. Last evaluated: 2024-08-11. Review status: criteria provided, single submitter. Criteria: Invitae Variant Classification Sherloc (09022015). Collection method: clinical testing. Allele origin: germline.
Comment: This sequence change creates a premature translational stop signal (p.Trp220*) in the MEN1 gene. It is expected to result in an absent or disrupted protein product. Loss-of-function variants in MEN1 are known to be pathogenic (PMID: 12112656, 17853334). This variant is not present in population databases (gnomAD no frequency). This premature translational stop signal has been observed in individual(s) with multiple endocrine neoplasia type 1 (PMID: 9709921). ClinVar contains an entry for this variant (Variation ID: 574621). For these reasons, this variant has been classified as Pathogenic.

Literature cited by the submitters: PubMed 12112656; PubMed 17853334; PubMed 9709921.

NM_001370259.2(MEN1):c.659G>A (p.Trp220Ter)

Gene: MEN1 (menin 1; minus strand). Cytogenetic location: 11q13.1.
Variant type: single nucleotide variant.
Coding change: c.659G>A on transcript NM_001370259.2 (MANE Select); coding-DNA position 659, G replaced by A.
Protein change: p.Trp220Ter; replaces tryptophan 220 with a stop codon.
Molecular consequence: nonsense.
Genome position (GRCh38, 1-based): chr11:64,807,676, C>T on the plus strand (G>A on the coding strand, the complement: MEN1 is on the minus strand). VCF-style: chr11-64807676-C-T. GRCh37 (hg19) VCF-style: chr11-64575148-C-T.
Other names: c.674G>A, p.Trp225Ter (NM_000244.4, NM_130800.3, NM_130801.3 and 3 more transcripts); c.659G>A, p.Trp220Ter (NM_001370251.2, NM_001370260.2, NM_001370261.2 and 1 more transcripts); c.554G>A, p.Trp185Ter (NM_001370262.2, NM_001370263.2); short protein forms W225*, W220*, W185*.
Identifiers: ClinVar variation 574621 (VCV000574621.9), dbSNP rs1565647197, ClinGen allele CA381185232.